The following is an entry in ClinVar:

NM_001134831.2(AHI1):c.2272C>T (p.His758Tyr)

Gene: AHI1 (Abelson helper integration site 1; minus strand). Cytogenetic location: 6q23.3.
Variant type: single nucleotide variant.
Coding change: c.2272C>T on transcript NM_001134831.2 (MANE Select); coding-DNA position 2272, C replaced by T.
Protein change: p.His758Tyr; replaces histidine 758 with tyrosine.
Molecular consequence: missense variant.
Genome position (GRCh38, 1-based): chr6:135,431,309, G>A on the plus strand (C>T on the coding strand, the complement: AHI1 is on the minus strand). VCF-style: chr6-135431309-G-A. GRCh37 (hg19) VCF-style: chr6-135752447-G-A.
Other names: c.2272C>T, p.His758Tyr (NM_001134830.2, NM_001134832.2, NM_001350503.2 and 2 more transcripts); short protein forms H758Y.
Identifiers: ClinVar variation 2416173 (VCV002416173.8), dbSNP rs2484574908, ClinGen allele CA365743325.

ClinVar aggregate classification (germline): Uncertain significance (1 of 4 stars; one submission).

Conditions:
Joubert syndrome. Also called: CEREBELLOPARENCHYMAL DISORDER IV; JOUBERT-BOLTSHAUSER SYNDROME; Familial aplasia of the vermis. Identifiers: Orphanet 475, MedGen C5979921, MONDO:0018772.

Submission:

Labcorp Genetics (formerly Invitae), Labcorp
Classification: Uncertain significance for Joubert syndrome. Last evaluated: 2023-05-15. Review status: criteria provided, single submitter. Criteria: Invitae Variant Classification Sherloc (09022015). Collection method: clinical testing. Allele origin: germline.
Comment: This variant is not present in population databases (gnomAD no frequency). This variant has not been reported in the literature in individuals affected with AHI1-related conditions. ClinVar contains an entry for this variant (Variation ID: 2416173). Advanced modeling of protein sequence and biophysical properties (such as structural, functional, and spatial information, amino acid conservation, physicochemical variation, residue mobility, and thermodynamic stability) performed at Invitae indicates that this missense variant is not expected to disrupt AHI1 protein function. In summary, the available evidence is currently insufficient to determine the role of this variant in disease. Therefore, it has been classified as a Variant of Uncertain Significance. This sequence change replaces histidine, which is basic and polar, with tyrosine, which is neutral and polar, at codon 758 of the AHI1 protein (p.His758Tyr).